The following is an entry in ClinVar:

ClinVar aggregate classification (germline): Conflicting classifications of pathogenicity. Review status: criteria provided, conflicting classifications (1 of 4 stars). 4 submissions from 4 submitters: Uncertain significance (1); Likely benign (3). Last evaluated 2026-01-14.

Allele frequency attached by ClinVar (database versions not stated): ESP Exome Variant Server 0.00077; TOPMed 0.00095; gnomAD 0.00096 and 0.00101; 1000 Genomes Project 0.00100; 1000 Genomes Project 30x 0.00109.

Submissions (4):

Labcorp Genetics (formerly Invitae), Labcorp
Classification: Likely benign. Last evaluated: 2026-01-14. Review status: criteria provided, single submitter. Criteria: Invitae Variant Classification Sherloc (09022015). Collection method: clinical testing. Allele origin: germline.

Blueprint Genetics
Classification: Likely benign. Last evaluated: 2024-11-06. Review status: criteria provided, single submitter. Criteria: ACMG Guidelines, 2015. Collection method: clinical testing. Allele origin: germline.

CeGaT Center for Human Genetics Tuebingen
Classification: Likely benign. Last evaluated: 2022-11-01. Review status: criteria provided, single submitter. Criteria: CeGaT Center For Human Genetics Tuebingen Variant Classification Criteria Version 2. Collection method: clinical testing. Allele origin: germline. Affected: yes. Observed: 1 variant allele.
Comment: SLC10A2: BP4, BP7

Eurofins Ntd Llc (ga)
Classification: Uncertain significance. Last evaluated: 2018-01-09. Review status: criteria provided, single submitter. Criteria: EGL Classification Definitions 2015. Collection method: clinical testing. Allele origin: germline. Observed: 7 variant alleles, 7 heterozygotes.

NM_000452.3(SLC10A2):c.108G>A (p.Thr36=)

Gene: SLC10A2 (solute carrier family 10 member 2; minus strand). Cytogenetic location: 13q33.1.
Variant type: single nucleotide variant.
Coding change: c.108G>A on transcript NM_000452.3 (MANE Select); coding-DNA position 108, G replaced by A.
Protein change: p.Thr36=; no amino-acid change (threonine 36 retained).
Molecular consequence: synonymous variant.
Genome position (GRCh38, 1-based): chr13:103,066,142, C>T on the plus strand (G>A on the coding strand, the complement: SLC10A2 is on the minus strand). VCF-style: chr13-103066142-C-T. GRCh37 (hg19) VCF-style: chr13-103718492-C-T.
Identifiers: ClinVar variation 593477 (VCV000593477.38), dbSNP rs141524545, ClinGen allele CA7042346.